The following is an entry in ClinVar:

NM_005219.5(DIAPH1):c.1595C>T (p.Thr532Ile)

Gene: DIAPH1 (diaphanous related formin 1; minus strand). Cytogenetic location: 5q31.3.
Variant type: single nucleotide variant.
Coding change: c.1595C>T on transcript NM_005219.5 (MANE Select); coding-DNA position 1595, C replaced by T.
Protein change: p.Thr532Ile; replaces threonine 532 with isoleucine.
Molecular consequence: missense variant.
Genome position (GRCh38, 1-based): chr5:141,575,013, G>A on the plus strand (C>T on the coding strand, the complement: DIAPH1 is on the minus strand). VCF-style: chr5-141575013-G-A. GRCh37 (hg19) VCF-style: chr5-140954580-G-A.
Other names: c.1568C>T, p.Thr523Ile (NM_001079812.3); c.1595C>T, p.Thr532Ile (NM_001314007.2); short protein forms T523I, T532I.
Identifiers: ClinVar variation 968913 (VCV000968913.10), dbSNP rs1446595487, ClinGen allele CA361523327.
Genomic context (GRCh38, chr5:141,575,013, plus strand): 5'-TGCTCAGGCATTACCTCTCCTGTGAGCTGGGACACCTCTGCTTCCAGGTCCTGTTTCTCT[G>A]TGGCAATTTGCTGCTTTTCAGAATGCAGTGCATCTTTTTCTCCCTGAAGATCTTGAAGCT-3'
Protein context (NP_005210.3, residues 522-542): ALHSEKQQIA[Thr532Ile]EKQDLEAEVS

ClinVar aggregate classification (germline): Uncertain significance (1 of 4 stars; one submission).

Conditions:
Autosomal dominant nonsyndromic hearing loss 1. Also called: KONIGSMARK SYNDROME; DEAFNESS, AUTOSOMAL DOMINANT 1, WITH OR WITHOUT THROMBOCYTOPENIA. Identifiers: Orphanet 90635, MedGen C1852282, MONDO:0007424, OMIM 124900.
Progressive microcephaly-seizures-cortical blindness-developmental delay syndrome. Also called: Seizures, cortical blindness, and microcephaly syndrome. Identifiers: Orphanet 477814, MedGen C5567650, MONDO:0014714, OMIM 616632.

Allele frequency attached by ClinVar (database versions not stated): gnomAD exomes below 0.00001; TOPMed below 0.00001.
gnomAD v4.1: 3 of 1,614,140 alleles (0.00019%); highest among the groups gnomAD compares: Non-Finnish European, 0.00025%; no homozygotes.

Submission:

Labcorp Genetics (formerly Invitae), Labcorp
Classification: Uncertain significance for Progressive microcephaly-seizures-cortical blindness-developmental delay syndrome; Autosomal dominant nonsyndromic hearing loss 1. Last evaluated: 2022-03-19. Review status: criteria provided, single submitter. Criteria: Invitae Variant Classification Sherloc (09022015). Collection method: clinical testing. Allele origin: germline.
Comment: This variant has not been reported in the literature in individuals affected with DIAPH1-related conditions. ClinVar contains an entry for this variant (Variation ID: 968913). Algorithms developed to predict the effect of missense changes on protein structure and function output the following: SIFT: "Tolerated"; PolyPhen-2: "Not Available"; Align-GVGD: "Class C0". The isoleucine amino acid residue is found in multiple mammalian species, which suggests that this missense change does not adversely affect protein function. In summary, the available evidence is currently insufficient to determine the role of this variant in disease. Therefore, it has been classified as a Variant of Uncertain Significance. This sequence change replaces threonine, which is neutral and polar, with isoleucine, which is neutral and non-polar, at codon 532 of the DIAPH1 protein (p.Thr532Ile). This variant is present in population databases (no rsID available, gnomAD 0.007%).